The following is an entry in ClinVar:

NM_020937.4(FANCM):c.3911A>G (p.Asn1304Ser)

Gene: FANCM (FA complementation group M; plus strand). Cytogenetic location: 14q21.2.
Variant type: single nucleotide variant.
Coding change: c.3911A>G on transcript NM_020937.4 (MANE Select); coding-DNA position 3911, A replaced by G.
Protein change: p.Asn1304Ser; replaces asparagine 1304 with serine.
Molecular consequence: missense variant.
Genome position (GRCh38, 1-based): chr14:45,176,665, A>G. VCF-style: chr14-45176665-A-G. GRCh37 (hg19) VCF-style: chr14-45645868-A-G.
Other names: c.3833A>G, p.Asn1278Ser (NM_001308133.2); short protein forms N1278S, N1304S.
Identifiers: ClinVar variation 1312536 (VCV001312536.2), dbSNP rs781358178, ClinGen allele CA7169597.
Genomic context (GRCh38, chr14:45,176,665, plus strand): 5'-ATCATAGTAAAAATTTTACTAGTGGAACTGTTATTATCCCATCAAATGAAGATATGCAGA[A>G]TCCAAATTATGTACATTTGCCACTGAGTGCAGCAAAAAATGAAGAATTGTTATCTCCTGG-3'
Protein context (NP_065988.1, residues 1294-1314): VIIPSNEDMQ[Asn1304Ser]PNYVHLPLSA

ClinVar aggregate classification (germline): Uncertain significance (1 of 4 stars; one submission).

Allele frequency attached by ClinVar (database versions not stated): ExAC 0.00002; gnomAD exomes 0.00001; TOPMed 0.00001.
gnomAD v4.1: 15 of 1,613,726 alleles (0.00093%); highest among the groups gnomAD compares: Non-Finnish European, 0.0013%; no homozygotes.

Submission:

GeneDx
Classification: Uncertain significance. Last evaluated: 2023-01-13. Review status: criteria provided, single submitter. Criteria: GeneDx Variant Classification Process June 2021. Collection method: clinical testing. Allele origin: germline. Affected: yes.
Comment: Not observed at significant frequency in large population cohorts (gnomAD); In silico analysis supports that this missense variant does not alter protein structure/function; Observed in an individual with ovarian cancer (Dicks et al., 2017); This variant is associated with the following publications: (PMID: 28881617)